The following is an entry in ClinVar:

ClinVar aggregate classification (germline): Uncertain significance (1 of 4 stars; one submission).

Conditions:
Mendelian susceptibility to mycobacterial diseases due to complete ISG15 deficiency. Also called: Immunodeficiency 38; IMMUNODEFICIENCY 38, MYCOBACTERIOSIS, AUTOSOMAL RECESSIVE; ISG15 DEFICIENCY, AUTOSOMAL RECESSIVE; Immunodeficiency 38 with basal ganglia calcification. Identifiers: Orphanet 319563, MedGen C4015293, MONDO:0014502, OMIM 616126.

Allele frequency attached by ClinVar (database versions not stated): gnomAD exomes below 0.00001.

Submission:

Labcorp Genetics (formerly Invitae), Labcorp
Classification: Uncertain significance for Mendelian susceptibility to mycobacterial diseases due to complete ISG15 deficiency. Last evaluated: 2021-06-04. Review status: criteria provided, single submitter. Criteria: Invitae Variant Classification Sherloc (09022015). Collection method: clinical testing. Allele origin: germline.
Comment: This sequence change replaces proline with threonine at codon 130 of the ISG15 protein (p.Pro130Thr). The proline residue is moderately conserved and there is a small physicochemical difference between proline and threonine. This variant is not present in population databases (ExAC no frequency). In summary, the available evidence is currently insufficient to determine the role of this variant in disease. Therefore, it has been classified as a Variant of Uncertain Significance. Algorithms developed to predict the effect of missense changes on protein structure and function (SIFT, PolyPhen-2, Align-GVGD) all suggest that this variant is likely to be tolerated, but these predictions have not been confirmed by published functional studies and their clinical significance is uncertain. This variant has not been reported in the literature in individuals with ISG15-related conditions.

NM_005101.4(ISG15):c.388C>A (p.Pro130Thr)

Gene: ISG15 (ISG15 ubiquitin like modifier; plus strand). Cytogenetic location: 1p36.33.
Variant type: single nucleotide variant.
Coding change: c.388C>A on transcript NM_005101.4 (MANE Select); coding-DNA position 388, C replaced by A.
Protein change: p.Pro130Thr; replaces proline 130 with threonine.
Molecular consequence: missense variant.
Genome position (GRCh38, 1-based): chr1:1,014,368, C>A. VCF-style: chr1-1014368-C-A. GRCh37 (hg19) VCF-style: chr1-949748-C-A.
Other names: short protein forms P130T.
Identifiers: ClinVar variation 1491392 (VCV001491392.8), dbSNP rs1335348868, ClinGen allele CA337805469.
Genomic context (GRCh38, chr1:1,014,368, plus strand): 5'-CAAGTGAGCGGGCTGGAGGGTGTGCAGGACGACCTGTTCTGGCTGACCTTCGAGGGGAAG[C>A]CCCTGGAGGACCAGCTCCCGCTGGGGGAGTACGGCCTCAAGCCCCTGAGCACCGTGTTCA-3'
Protein context (NP_005092.1, residues 120-140): DLFWLTFEGK[Pro130Thr]LEDQLPLGEY